The following is an entry in ClinVar:

ClinVar aggregate classification (germline): Benign/Likely benign. Review status: criteria provided, multiple submitters, no conflicts (2 of 4 stars). 2 submissions from 2 submitters: Benign (1); Likely benign (1). Last evaluated 2023-08-01.

Allele frequency attached by ClinVar (database versions not stated): 1000 Genomes Project 0.00200; 1000 Genomes Project 30x 0.00203; gnomAD exomes 0.00397 and 0.00708; ExAC 0.00411; TOPMed 0.00431; gnomAD 0.00450 and 0.00466; ESP Exome Variant Server 0.00523.
gnomAD v4.1: 10,894 of 1,603,234 alleles (0.68%); highest among the groups gnomAD compares: Non-Finnish European, 0.84%; 56 homozygotes.

Submissions (2):

CeGaT Center for Human Genetics Tuebingen
Classification: Likely benign. Last evaluated: 2023-08-01. Review status: criteria provided, single submitter. Criteria: CeGaT Center For Human Genetics Tuebingen Variant Classification Criteria Version 2. Collection method: clinical testing. Allele origin: germline. Affected: yes. Observed: 3 variant alleles.
Comment: PRKCB: BP4, BP7, BS2

Labcorp Genetics (formerly Invitae), Labcorp
Classification: Benign. Last evaluated: 2019-12-31. Review status: criteria provided, single submitter. Criteria: Invitae Variant Classification Sherloc (09022015). Collection method: clinical testing. Allele origin: germline.

NM_002738.7(PRKCB):c.87G>A (p.Lys29=)

Gene: PRKCB (protein kinase C beta; plus strand). Cytogenetic location: 16p12.2.
Variant type: single nucleotide variant.
Coding change: c.87G>A on transcript NM_002738.7 (MANE Select); coding-DNA position 87, G replaced by A.
Protein change: p.Lys29=; no amino-acid change (lysine 29 retained).
Molecular consequence: synonymous variant.
Genome position (GRCh38, 1-based): chr16:23,836,262, G>A. VCF-style: chr16-23836262-G-A. GRCh37 (hg19) VCF-style: chr16-23847583-G-A.
Other names: c.87G>A, p.Lys29= (NM_212535.3).
Identifiers: ClinVar variation 735257 (VCV000735257.28), dbSNP rs146177740, ClinGen allele CA7966096.